The following is an entry in ClinVar:

NM_207361.6(FREM2):c.7371C>T (p.Thr2457=)

Gene: FREM2 (FRAS1 related extracellular matrix 2; plus strand). Cytogenetic location: 13q13.3.
Variant type: single nucleotide variant.
Coding change: c.7371C>T on transcript NM_207361.6 (MANE Select); coding-DNA position 7371, C replaced by T.
Protein change: p.Thr2457=; no amino-acid change (threonine 2457 retained).
Molecular consequence: synonymous variant.
Genome position (GRCh38, 1-based): chr13:38,859,442, C>T. VCF-style: chr13-38859442-C-T. GRCh37 (hg19) VCF-style: chr13-39433579-C-T.
Other names: c.7371C>T (NM_207361.5).
Identifiers: ClinVar variation 3000424 (VCV003000424.4), dbSNP rs138217330, ClinGen allele CA6955841.

ClinVar aggregate classification (germline): Likely benign. Review status: criteria provided, multiple submitters, no conflicts (2 of 4 stars). 2 submissions from 2 submitters: Likely benign (2). Last evaluated 2026-01-06.

Conditions:
FREM2-related disorder. Also called: FREM2-related condition.

Allele frequency attached by ClinVar (database versions not stated): ExAC 0.00001; gnomAD 0.00001; 1000 Genomes Project 30x 0.00016; 1000 Genomes Project 0.00020.
gnomAD v4.1: 1 of 1,614,098 alleles (0.000062%); highest among the groups gnomAD compares: Non-Finnish European, 0.000085%; no homozygotes.

Submissions (2):

PreventionGenetics, part of Exact Sciences
Classification: Likely benign for FREM2-related condition. Last evaluated: 2026-01-06. Review status: criteria provided, single submitter. Criteria: ACMG Guidelines, 2015. Collection method: clinical testing. Allele origin: germline.
Comment: This variant is classified as likely benign based on ACMG/AMP sequence variant interpretation guidelines (Richards et al. 2015 PMID: 25741868, with internal and published modifications).

Labcorp Genetics (formerly Invitae), Labcorp
Classification: Likely benign. Last evaluated: 2023-07-24. Review status: criteria provided, single submitter. Criteria: Invitae Variant Classification Sherloc (09022015). Collection method: clinical testing. Allele origin: germline.